The following is an entry in ClinVar:

NM_006832.3(FERMT2):c.1077G>C (p.Gly359=)

Gene: FERMT2 (FERM domain containing kindlin 2; minus strand). Cytogenetic location: 14q22.1.
Variant type: single nucleotide variant.
Coding change: c.1077G>C on transcript NM_006832.3 (MANE Select); coding-DNA position 1077, G replaced by C.
Protein change: p.Gly359=; no amino-acid change (glycine 359 retained).
Molecular consequence: synonymous variant.
Genome position (GRCh38, 1-based): chr14:52,875,244, C>G on the plus strand (G>C on the coding strand, the complement: FERMT2 is on the minus strand). VCF-style: chr14-52875244-C-G. GRCh37 (hg19) VCF-style: chr14-53341962-C-G.
Other names: c.1077G>C, p.Gly359= (NM_001134999.2, NM_001135000.2).
Identifiers: ClinVar variation 2644241 (VCV002644241.24), dbSNP rs1130597, ClinGen allele CA7190604.

ClinVar aggregate classification (germline): Likely benign (1 of 4 stars; one submission).

Allele frequency attached by ClinVar (database versions not stated): 1000 Genomes Project 30x 0.00187; 1000 Genomes Project 0.00200; TOPMed 0.00443; gnomAD 0.00512; ExAC 0.00555; ESP Exome Variant Server 0.00646.
gnomAD v4.1: 10,464 of 1,608,642 alleles (0.65%); highest among the groups gnomAD compares: Non-Finnish European, 0.8%; 37 homozygotes.

Submission:

CeGaT Center for Human Genetics Tuebingen
Classification: Likely benign. Last evaluated: 2023-04-01. Review status: criteria provided, single submitter. Criteria: CeGaT Center For Human Genetics Tuebingen Variant Classification Criteria Version 2. Collection method: clinical testing. Allele origin: germline. Affected: yes. Observed: 1 variant allele.
Comment: FERMT2: BP4, BP7, BS2